The following is an entry in ClinVar:

NM_003659.4(AGPS):c.1545+9T>A

Gene: AGPS (alkylglycerone phosphate synthase; plus strand). Cytogenetic location: 2q31.2.
Variant type: single nucleotide variant.
Coding change: c.1545+9T>A on transcript NM_003659.4 (MANE Select); 9 bases into the intron after coding-DNA position 1545, T replaced by A.
Molecular consequence: intron variant.
Genome position (GRCh38, 1-based): chr2:177,505,584, T>A. VCF-style: chr2-177505584-T-A. GRCh37 (hg19) VCF-style: chr2-178370312-T-A.
Other names: c.1545+9T>A (NM_003659.3).
Identifiers: ClinVar variation 1162001 (VCV001162001.10), dbSNP rs201702016, ClinGen allele CA1980357.

ClinVar aggregate classification (germline): Likely benign. Review status: criteria provided, multiple submitters, no conflicts (2 of 4 stars). 2 submissions from 2 submitters: Likely benign (2). Last evaluated 2025-09-30.

Conditions:
AGPS-related disorder. Also called: AGPS-related condition.

Allele frequency attached by ClinVar (database versions not stated): gnomAD exomes 0.00002 and 0.00003; ExAC 0.00004.
gnomAD v4.1: 22 of 1,605,746 alleles (0.0014%); highest among the groups gnomAD compares: Middle Eastern, 0.066%; no homozygotes.

Submissions (2):

PreventionGenetics, part of Exact Sciences
Classification: Likely benign for AGPS-related condition. Last evaluated: 2025-09-30. Review status: criteria provided, single submitter. Criteria: ACMG Guidelines, 2015. Collection method: clinical testing. Allele origin: germline.
Comment: This variant is classified as likely benign based on ACMG/AMP sequence variant interpretation guidelines (Richards et al. 2015 PMID: 25741868, with internal and published modifications).

Labcorp Genetics (formerly Invitae), Labcorp
Classification: Likely benign. Last evaluated: 2023-09-08. Review status: criteria provided, single submitter. Criteria: Invitae Variant Classification Sherloc (09022015). Collection method: clinical testing. Allele origin: germline.